The following is an entry in ClinVar:

ClinVar aggregate classification (germline): Uncertain significance. Review status: criteria provided, multiple submitters, no conflicts (2 of 4 stars). 2 submissions from 2 submitters: Uncertain significance (2). Last evaluated 2025-09-09.

Conditions:
Inborn genetic diseases. Identifiers: MedGen C0950123, MeSH D030342.

Allele frequency attached by ClinVar (database versions not stated): gnomAD 0.00001; ExAC 0.00002; gnomAD exomes 0.00002.
gnomAD v4.1: 6 of 1,614,076 alleles (0.00037%); highest among the groups gnomAD compares: African/African-American, 0.008%; no homozygotes.

Submissions (2):

GeneDx
Classification: Uncertain significance. Last evaluated: 2025-09-09. Review status: criteria provided, single submitter. Criteria: GeneDx Variant Classification Process June 2021. Collection method: clinical testing. Allele origin: germline.
Comment: In silico analysis suggests that this missense variant does not alter protein structure/function; Has not been previously published as pathogenic or benign to our knowledge

Ambry Genetics
Classification: Uncertain significance for Inborn genetic diseases. Last evaluated: 2023-03-24. Review status: criteria provided, single submitter. Criteria: Ambry Variant Classification Scheme 2023. Collection method: clinical testing. Allele origin: germline.

NM_000159.4(GCDH):c.114C>A (p.Ser38Arg)

Genes: GCDH (glutaryl-CoA dehydrogenase; plus strand), LOC117125594 (CRISPRi-FlowFISH-validated KLF1 regulatory element; plus strand). Cytogenetic location: 19p13.13.
Variant type: single nucleotide variant.
Coding change: c.114C>A on transcript NM_000159.4 (MANE Select); coding-DNA position 114, C replaced by A.
Protein change: p.Ser38Arg; replaces serine 38 with arginine.
Molecular consequence: missense variant. On other transcripts: non-coding transcript variant (2).
Genome position (GRCh38, 1-based): chr19:12,891,509, C>A. VCF-style: chr19-12891509-C-A. GRCh37 (hg19) VCF-style: chr19-13002323-C-A.
Other names: c.114C>A, p.Ser38Arg (NM_013976.5); short protein forms S38R.
Identifiers: ClinVar variation 1699506 (VCV001699506.5), dbSNP rs767535651, ClinGen allele CA9234208.